The following is an entry in ClinVar:

NM_182914.3(SYNE2):c.16049C>T (p.Ser5350Phe)

Gene: SYNE2 (spectrin repeat containing nuclear envelope protein 2; plus strand). Cytogenetic location: 14q23.2.
Variant type: single nucleotide variant.
Coding change: c.16049C>T on transcript NM_182914.3 (MANE Select); coding-DNA position 16049, C replaced by T.
Protein change: p.Ser5350Phe; replaces serine 5350 with phenylalanine.
Molecular consequence: missense variant.
Genome position (GRCh38, 1-based): chr14:64,159,397, C>T. VCF-style: chr14-64159397-C-T. GRCh37 (hg19) VCF-style: chr14-64626115-C-T.
Other names: c.16049C>T, p.Ser5350Phe (NM_015180.6); short protein forms S5350F.
Identifiers: ClinVar variation 3641381 (VCV003641381.2).

ClinVar aggregate classification (germline): Uncertain significance (1 of 4 stars; one submission).

Conditions:
Emery-Dreifuss muscular dystrophy 5, autosomal dominant (EDMD5). Also called: EMERY-DREIFUSS MUSCULAR DYSTROPHY 5. Identifiers: Orphanet 261, MedGen C2751805, MONDO:0013072, OMIM 612999.

gnomAD v4.1: 1 of 1,613,982 alleles (0.000062%); highest among the groups gnomAD compares: Non-Finnish European, 0.000085%; no homozygotes.

Submission:

Labcorp Genetics (formerly Invitae), Labcorp
Classification: Uncertain significance for Emery-Dreifuss muscular dystrophy 5, autosomal dominant. Last evaluated: 2024-08-06. Review status: criteria provided, single submitter. Criteria: Invitae Variant Classification Sherloc (09022015). Collection method: clinical testing. Allele origin: germline.
Comment: This sequence change replaces serine, which is neutral and polar, with phenylalanine, which is neutral and non-polar, at codon 5350 of the SYNE2 protein (p.Ser5350Phe). This variant is not present in population databases (gnomAD no frequency). This variant has not been reported in the literature in individuals affected with SYNE2-related conditions. An algorithm developed to predict the effect of missense changes on protein structure and function (PolyPhen-2) suggests that this variant is likely to be disruptive. In summary, the available evidence is currently insufficient to determine the role of this variant in disease. Therefore, it has been classified as a Variant of Uncertain Significance.